The following is an entry in ClinVar:

ClinVar aggregate classification (germline): Uncertain significance. Review status: criteria provided, multiple submitters, no conflicts (2 of 4 stars). 3 submissions from 3 submitters: Uncertain significance (3). Last evaluated 2025-11-23.

Conditions:
Hereditary cancer-predisposing syndrome. Also called: Hereditary neoplastic syndrome; Neoplastic Syndromes, Hereditary; Hereditary Cancer Syndrome; Tumor predisposition. Identifiers: Orphanet 140162, MedGen C0027672, MeSH D009386, MONDO:0015356.
Tuberous sclerosis syndrome (TSC). Also called: Tuberous Sclerosis Complex; Tuberous sclerosis. Identifiers: Orphanet 805, MedGen C0041341, MONDO:0001734.
Tuberous sclerosis 2 (TSC2). Identifiers: Orphanet 805, MedGen C1860707, MONDO:0013199, OMIM 613254.

Submissions (3):

Labcorp Genetics (formerly Invitae), Labcorp
Classification: Uncertain significance for Tuberous sclerosis 2. Last evaluated: 2025-11-23. Review status: criteria provided, single submitter. Criteria: Invitae Variant Classification Sherloc (09022015). Collection method: clinical testing. Allele origin: germline.
Comment: This sequence change replaces alanine, which is neutral and non-polar, with serine, which is neutral and polar, at codon 1003 of the TSC2 protein (p.Ala1003Ser). This variant is not present in population databases (gnomAD no frequency). This variant has not been reported in the literature in individuals affected with TSC2-related conditions. ClinVar contains an entry for this variant (Variation ID: 1412338). Invitae Evidence Modeling of protein sequence and biophysical properties (such as structural, functional, and spatial information, amino acid conservation, physicochemical variation, residue mobility, and thermodynamic stability) indicates that this missense variant is not expected to disrupt TSC2 protein function with a negative predictive value of 95%. In summary, the available evidence is currently insufficient to determine the role of this variant in disease. Therefore, it has been classified as a Variant of Uncertain Significance.

Ambry Genetics
Classification: Uncertain significance for Hereditary cancer-predisposing syndrome. Last evaluated: 2025-06-15. Review status: criteria provided, single submitter. Criteria: Ambry Variant Classification Scheme 2023. Collection method: clinical testing. Allele origin: germline.
Comment: The p.A1003S variant (also known as c.3007G>T), located in coding exon 26 of the TSC2 gene, results from a G to T substitution at nucleotide position 3007. The alanine at codon 1003 is replaced by serine, an amino acid with similar properties. This amino acid position is conserved. In addition, the in silico prediction for this alteration is inconclusive. Based on the available evidence, the clinical significance of this variant remains unclear.

All of Us Research Program, National Institutes of Health
Classification: Uncertain significance for Tuberous sclerosis syndrome. Last evaluated: 2024-02-22. Review status: criteria provided, single submitter. Criteria: ACMG Guidelines, 2015. Collection method: clinical testing. Allele origin: germline. Inheritance: Autosomal dominant inheritance. Observed: 1 variant allele, 1 heterozygote.
Comment: This missense variant replaces alanine with serine at codon 1003 of the TSC2 protein. Computational prediction is inconclusive regarding the impact of this variant on protein structure and function (internally defined REVEL score threshold 0.5 < inconclusive < 0.7, PMID: 27666373). To our knowledge, functional studies have not been reported for this variant. This variant has not been reported in individuals affected with TSC2-related disorders in the literature. This variant has not been identified in the general population by the Genome Aggregation Database (gnomAD). The available evidence is insufficient to determine the role of this variant in disease conclusively. Therefore, this variant is classified as a Variant of Uncertain Significance.

This study involves interpretation of variants in research participants for the purpose of population health screening. Participant phenotype was not available at the time of variant classification. Additional details can be found in publication PMID: 35346344, PMCID: PMC8962531

NM_000548.5(TSC2):c.3007G>T (p.Ala1003Ser)

Gene: TSC2 (TSC complex subunit 2; plus strand). Cytogenetic location: 16p13.3.
Variant type: single nucleotide variant.
Coding change: c.3007G>T on transcript NM_000548.5 (MANE Select); coding-DNA position 3007, G replaced by T.
Protein change: p.Ala1003Ser; replaces alanine 1003 with serine.
Molecular consequence: missense variant.
Genome position (GRCh38, 1-based): chr16:2,079,072, G>T. VCF-style: chr16-2079072-G-T. GRCh37 (hg19) VCF-style: chr16-2129073-G-T.
Other names: c.2875G>T, p.Ala959Ser (NM_001077183.3, NM_001370404.1); c.3007G>T, p.Ala1003Ser (NM_001114382.3); c.2767G>T, p.Ala923Ser (NM_001318827.2); c.2731G>T, p.Ala911Ser (NM_001318829.2); c.2275G>T, p.Ala759Ser (NM_001318831.2); c.2908G>T, p.Ala970Ser (NM_001318832.2); c.2878G>T, p.Ala960Ser (NM_001363528.2, NM_001370405.1, NM_021055.3); c.3007G>T (NM_000548.3); short protein forms A923S, A959S, A960S, A1003S, A759S, A911S, A970S.
Identifiers: ClinVar variation 1412338 (VCV001412338.10), dbSNP rs1555510234, ClinGen allele CA394283827.